The following is an entry in ClinVar:

ClinVar aggregate classification (germline): Likely pathogenic. Review status: criteria provided, multiple submitters, no conflicts (2 of 4 stars). 5 submissions from 5 submitters: Likely pathogenic (5). Last evaluated 2025-11-13.

Conditions:
Polycystic kidney disease 4 (PKD4). Also called: POLYCYSTIC KIDNEY DISEASE 4 WITH OR WITHOUT POLYCYSTIC LIVER DISEASE; POLYCYSTIC KIDNEY AND HEPATIC DISEASE 1; POLYCYSTIC KIDNEY DISEASE, INFANTILE, TYPE I; Autosomal Recessive Polycystic Kidney Disease – PKHD1; PKD3. Identifiers: MedGen C4540575, MONDO:0033004, OMIM 263200.
Autosomal recessive polycystic kidney disease (ARPKD). Also called: AR polycystic kidney disease. Identifiers: Orphanet 731, Orphanet 8378, MedGen C0085548, MeSH D017044, MONDO:0009889.

Allele frequency attached by ClinVar (database versions not stated): gnomAD exomes below 0.00001; TOPMed below 0.00001; gnomAD 0.00001.
gnomAD v4.1: 6 of 1,613,838 alleles (0.00037%); highest among the groups gnomAD compares: Admixed American, 0.0017%; no homozygotes.

Submissions (5):

GeneDx
Classification: Likely pathogenic. Last evaluated: 2025-11-13. Review status: criteria provided, single submitter. Criteria: GeneDx Variant Classification Process June 2021. Collection method: clinical testing. Allele origin: germline. Affected: yes.
Comment: Identified with a second PKHD1 variant in an additional patient with ARPKD in published literature (PMID: 33940108); Not observed at significant frequency in large population cohorts (gnomAD); In silico analysis supports that this missense variant has a deleterious effect on protein structure/function; This variant is associated with the following publications: (PMID: 27225849, 33940108, 15698423, 39473742)

Natera, Inc.
Classification: Likely pathogenic for Autosomal recessive polycystic kidney disease. Last evaluated: 2025-10-10. Review status: criteria provided, single submitter. Criteria: Natera Variant Classification Schema (03/2026). Collection method: clinical testing. Allele origin: germline.
Comment: The c.9152T>C variant in PKHD1 is a missense variant predicted to cause substitution of isoleucine to threonine at amino acid 3051. This variant is rare in the general population with a frequency below the threshold expected for the associated phenotype(s). This variant has been observed in one or more individuals affected with the associated recessive disease, as either homozygous or compound heterozygous with a second variant (PMID: 39473742, 27225849, 33940108). Computational prediction algorithms indicate this variant is likely to affect gene or protein function. Given the available evidence, this variant is classified as Likely Pathogenic.

Women's Health and Genetics/Laboratory Corporation of America, LabCorp
Classification: Likely pathogenic for Autosomal recessive polycystic kidney disease. Last evaluated: 2025-07-01. Review status: criteria provided, single submitter. Criteria: LabCorp Variant Classification Summary - May 2015. Collection method: clinical testing. Allele origin: germline.
Comment: Variant summary: PKHD1 c.9152T>C (p.Ile3051Thr) results in a non-conservative amino acid change located in the Right handed beta helix domain (IPR039448) of the encoded protein sequence. Algorithms developed to predict the effect of missense changes on protein structure and function all suggest that this variant is likely to be disruptive. The variant allele was found at a frequency of 4e-06 in 251058 control chromosomes. c.9152T>C has been observed in individuals affected with Polycystic Kidney And Hepatic Disease (example: Bergmann_2005, Melchionda_2016, Burgmaier_2021, Gezgin_2024). These data indicate that the variant is likely to be associated with disease. To our knowledge, no experimental evidence demonstrating an impact on protein function has been reported. The following publications have been ascertained in the context of this evaluation (PMID: 15698423, 33940108, 39473742, 27225849). ClinVar contains an entry for this variant (Variation ID: 997896). Based on the evidence outlined above, the variant was classified as likely pathogenic.

Baylor Genetics
Classification: Likely pathogenic for Polycystic kidney disease 4. Last evaluated: 2023-12-17. Review status: criteria provided, single submitter. Criteria: ACMG Guidelines, 2015. Collection method: clinical testing. Allele origin: unknown.

Labcorp Genetics (formerly Invitae), Labcorp
Classification: Likely pathogenic for Autosomal recessive polycystic kidney disease. Last evaluated: 2022-01-13. Review status: criteria provided, single submitter. Criteria: Invitae Variant Classification Sherloc (09022015). Collection method: clinical testing. Allele origin: germline.
Comment: This sequence change replaces isoleucine, which is neutral and non-polar, with threonine, which is neutral and polar, at codon 3051 of the PKHD1 protein (p.Ile3051Thr). This variant is present in population databases (no rsID available, gnomAD 0.0009%). This missense change has been observed in individual(s) with clinical features of autosomal recessive polycystic kidney disease (PMID: 15698423, 27225849). In at least one individual the data is consistent with being in trans (on the opposite chromosome) from a pathogenic variant. ClinVar contains an entry for this variant (Variation ID: 997896). Advanced modeling of protein sequence and biophysical properties (such as structural, functional, and spatial information, amino acid conservation, physicochemical variation, residue mobility, and thermodynamic stability) performed at Invitae indicates that this missense variant is expected to disrupt PKHD1 protein function. In summary, the currently available evidence indicates that the variant is pathogenic, but additional data are needed to prove that conclusively. Therefore, this variant has been classified as Likely Pathogenic.

Literature cited by the submitters: PubMed 39473742 (cited by Natera, Inc. and Women's Health and Genetics/Laboratory Corporation of America, LabCorp); PubMed 27225849 (cited by 3 submitters); PubMed 33940108 (cited by Natera, Inc. and Women's Health and Genetics/Laboratory Corporation of America, LabCorp); PubMed 15698423 (cited by Women's Health and Genetics/Laboratory Corporation of America, LabCorp and Labcorp Genetics (formerly Invitae), Labcorp).

NM_138694.4(PKHD1):c.9152T>C (p.Ile3051Thr)

Gene: PKHD1 (PKHD1 ciliary IPT domain containing fibrocystin/polyductin; minus strand). Cytogenetic location: 6p12.3.
Variant type: single nucleotide variant.
Coding change: c.9152T>C on transcript NM_138694.4 (MANE Select); coding-DNA position 9152, T replaced by C.
Protein change: p.Ile3051Thr; replaces isoleucine 3051 with threonine.
Molecular consequence: missense variant.
Genome position (GRCh38, 1-based): chr6:51,748,464, A>G on the plus strand (T>C on the coding strand, the complement: PKHD1 is on the minus strand). VCF-style: chr6-51748464-A-G. GRCh37 (hg19) VCF-style: chr6-51613262-A-G.
Other names: c.9152T>C, p.Ile3051Thr (NM_170724.3); short protein forms I3051T.
Identifiers: ClinVar variation 997896 (VCV000997896.19), dbSNP rs1374086784, ClinGen allele CA364423467.